The following is an entry in ClinVar:

ClinVar aggregate classification (germline): Pathogenic (1 of 4 stars; one submission).

Submission:

Labcorp Genetics (formerly Invitae), Labcorp
Classification: Pathogenic. Last evaluated: 2023-02-14. Review status: criteria provided, single submitter. Criteria: Invitae Variant Classification Sherloc (09022015). Collection method: clinical testing. Allele origin: germline.
Comment: This variant is not present in population databases (gnomAD no frequency). This sequence change creates a premature translational stop signal (p.Ser555*) in the SLC12A3 gene. It is expected to result in an absent or disrupted protein product. Loss-of-function variants in SLC12A3 are known to be pathogenic (PMID: 20848653, 22009145, 25841442). This variant has not been reported in the literature in individuals affected with SLC12A3-related conditions. For these reasons, this variant has been classified as Pathogenic.

Literature cited by the submitters: PubMed 20848653; PubMed 22009145; PubMed 25841442.

NM_001126108.2(SLC12A3):c.1664C>A (p.Ser555Ter)

Gene: SLC12A3 (solute carrier family 12 member 3; plus strand). Cytogenetic location: 16q13.
Variant type: single nucleotide variant.
Coding change: c.1664C>A on transcript NM_001126108.2 (MANE Select); coding-DNA position 1664, C replaced by A.
Protein change: p.Ser555Ter; replaces serine 555 with a stop codon.
Molecular consequence: nonsense.
Genome position (GRCh38, 1-based): chr16:56,882,492, C>A. VCF-style: chr16-56882492-C-A. GRCh37 (hg19) VCF-style: chr16-56916404-C-A.
Other names: c.1664C>A, p.Ser555Ter (NM_000339.3); c.1661C>A, p.Ser554Ter (NM_001126107.2, NM_001410896.1); short protein forms S554*, S555*.
Identifiers: ClinVar variation 2076437 (VCV002076437.4), dbSNP rs148038173, ClinGen allele CA395989442.
Genomic context (GRCh38, chr16:56,882,492, plus strand): 5'-TCTTCCTCTGCTCCTATGCCCTCATCAACTTCAGCTGCTTCCACGCCTCCATCACCAACT[C>A]GCCTGGTAAGCAAACCCTTCACCCACCTCAGGAGGAGGCACCCAGGGGGCAGGAGGAACT-3'